The following is an entry in ClinVar:

NM_030787.4(CFHR5):c.338T>A (p.Ile113Asn)

Gene: CFHR5 (complement factor H related 5; plus strand). Cytogenetic location: 1q31.3.
Variant type: single nucleotide variant.
Coding change: c.338T>A on transcript NM_030787.4 (MANE Select); coding-DNA position 338, T replaced by A.
Protein change: p.Ile113Asn; replaces isoleucine 113 with asparagine.
Molecular consequence: missense variant.
Genome position (GRCh38, 1-based): chr1:196,984,045, T>A. VCF-style: chr1-196984045-T-A. GRCh37 (hg19) VCF-style: chr1-196953175-T-A.
Other names: short protein forms I113N.
Identifiers: ClinVar variation 4708539 (VCV004708539.1).

ClinVar aggregate classification (germline): Uncertain significance (1 of 4 stars; one submission).

Submission:

Labcorp Genetics (formerly Invitae), Labcorp
Classification: Uncertain significance. Last evaluated: 2025-02-10. Review status: criteria provided, single submitter. Criteria: Invitae Variant Classification Sherloc (09022015). Collection method: clinical testing. Allele origin: germline.
Comment: This sequence change replaces isoleucine, which is neutral and non-polar, with asparagine, which is neutral and polar, at codon 113 of the CFHR5 protein (p.Ile113Asn). This variant is not present in population databases (gnomAD no frequency). This variant has not been reported in the literature in individuals affected with CFHR5-related conditions. Invitae Evidence Modeling of protein sequence and biophysical properties (such as structural, functional, and spatial information, amino acid conservation, physicochemical variation, residue mobility, and thermodynamic stability) indicates that this missense variant is not expected to disrupt CFHR5 protein function with a negative predictive value of 80%. In summary, the available evidence is currently insufficient to determine the role of this variant in disease. Therefore, it has been classified as a Variant of Uncertain Significance.